The following is an entry in ClinVar:

NM_004329.3(BMPR1A):c.653G>T (p.Ser218Ile)

Gene: BMPR1A (bone morphogenetic protein receptor type 1A; plus strand). Cytogenetic location: 10q23.2.
Variant type: single nucleotide variant.
Coding change: c.653G>T on transcript NM_004329.3 (MANE Select); coding-DNA position 653, G replaced by T.
Protein change: p.Ser218Ile; replaces serine 218 with isoleucine.
Molecular consequence: missense variant.
Genome position (GRCh38, 1-based): chr10:86,912,362, G>T. VCF-style: chr10-86912362-G-T. GRCh37 (hg19) VCF-style: chr10-88672119-G-T.
Other names: c.653G>T, p.Ser218Ile (NM_001406566.1, NM_001406567.1, NM_001406568.1 and 20 more transcripts); c.728G>T, p.Ser243Ile (NM_001406559.1); c.701G>T, p.Ser234Ile (NM_001406560.1); c.569G>T, p.Ser190Ile (NM_001406584.1, NM_001406585.1, NM_001406586.1 and 2 more transcripts); short protein forms S190I, S218I, S243I, S234I.
Identifiers: ClinVar variation 1754109 (VCV001754109.2), dbSNP rs752893921, ClinGen allele CA377455091.

ClinVar aggregate classification (germline): Uncertain significance (1 of 4 stars; one submission).

Conditions:
Hereditary cancer-predisposing syndrome. Also called: Neoplastic Syndromes, Hereditary; Tumor predisposition; Hereditary Cancer Syndrome; Hereditary neoplastic syndrome. Identifiers: Orphanet 140162, MedGen C0027672, MeSH D009386, MONDO:0015356.

Allele frequency attached by ClinVar (database versions not stated): TOPMed below 0.00001.
gnomAD v4.1: 1 of 1,614,044 alleles (0.000062%); highest among the groups gnomAD compares: Non-Finnish European, 0.000085%; no homozygotes.

Submission:

Ambry Genetics
Classification: Uncertain significance for Hereditary cancer-predisposing syndrome. Last evaluated: 2022-03-07. Review status: criteria provided, single submitter. Criteria: Ambry Variant Classification Scheme 2023. Collection method: clinical testing. Allele origin: germline.
Comment: The p.S218I variant (also known as c.653G>T), located in coding exon 6 of the BMPR1A gene, results from a G to T substitution at nucleotide position 653. The serine at codon 218 is replaced by isoleucine, an amino acid with dissimilar properties. This amino acid position is conserved. In addition, this alteration is predicted to be deleterious by in silico analysis. Since supporting evidence is limited at this time, the clinical significance of this alteration remains unclear.